The following is an entry in ClinVar:

NC_000004.11:g.(?_995319)_(996126_?)del

Gene: IDUA (alpha-L-iduronidase; plus strand). Cytogenetic location: 4p16.3.
Variant type: Deletion.
Identifiers: ClinVar variation 3246583 (VCV003246583.1).

ClinVar aggregate classification (germline): Pathogenic (1 of 4 stars; one submission).

Conditions:
Mucopolysaccharidosis type 1. Also called: IDUA deficiency; MPS I. Identifiers: Orphanet 579, MedGen C0023786, MONDO:0001586.

Submission:

Labcorp Genetics (formerly Invitae), Labcorp
Classification: Pathogenic for Mucopolysaccharidosis type 1. Last evaluated: 2023-03-23. Review status: criteria provided, single submitter. Criteria: Invitae Variant Classification Sherloc (09022015). Collection method: clinical testing. Allele origin: unknown.
Comment: For these reasons, this variant has been classified as Pathogenic. This variant disrupts a region of the IDUA protein in which other variant(s) (p.Leu346Arg) have been determined to be pathogenic (PMID: 10735634, 15521993, 21480867, 21624210, 29801497; Invitae). This suggests that this is a clinically significant region of the protein, and that variants that disrupt it are likely to be disease-causing. This variant has not been reported in the literature in individuals affected with IDUA-related conditions. This variant results in the deletion of part of exon 8-9 of the IDUA gene. This variant would be expected to be in-frame, preserving the integrity of the reading frame.

Literature cited by the submitters: PubMed 10735634; PubMed 15521993; PubMed 21480867; PubMed 21624210; PubMed 29801497.